The following is an entry in ClinVar:

NM_002691.4(POLD1):c.1666G>A (p.Val556Ile)

Gene: POLD1 (DNA polymerase delta 1, catalytic subunit; plus strand). Cytogenetic location: 19q13.33.
Variant type: single nucleotide variant.
Coding change: c.1666G>A on transcript NM_002691.4 (MANE Select); coding-DNA position 1666, G replaced by A.
Protein change: p.Val556Ile; replaces valine 556 with isoleucine.
Molecular consequence: missense variant. On other transcripts: non-coding transcript variant (1).
Genome position (GRCh38, 1-based): chr19:50,407,154, G>A. VCF-style: chr19-50407154-G-A. GRCh37 (hg19) VCF-style: chr19-50910411-G-A.
Other names: c.1666G>A, p.Val556Ile (NM_001256849.1, NM_001308632.1); short protein forms V556I.
Identifiers: ClinVar variation 239249 (VCV000239249.18), dbSNP rs762273084, ClinGen allele CA9596198.

ClinVar aggregate classification (germline): Uncertain significance. Review status: criteria provided, multiple submitters, no conflicts (2 of 4 stars). 6 submissions from 6 submitters: Uncertain significance (6). Last evaluated 2026-01-21.

Conditions:
Hereditary cancer-predisposing syndrome. Also called: Hereditary Cancer Syndrome; Neoplastic Syndromes, Hereditary; Hereditary neoplastic syndrome; Tumor predisposition. Identifiers: Orphanet 140162, MedGen C0027672, MeSH D009386, MONDO:0015356.
POLD1-related polyposis and colorectal cancer syndrome (CRCS10). Also called: COLORECTAL CANCER, SUSCEPTIBILITY TO, ON CHROMOSOME 19q; Colorectal cancer 10; Colorectal cancer, susceptibility to, 10. Identifiers: Orphanet 220460, MedGen C2675481, MONDO:0012953, OMIM 612591.

Allele frequency attached by ClinVar (database versions not stated): gnomAD 0.00002; TOPMed 0.00003; ExAC 0.00004.
gnomAD v4.1: 128 of 1,607,434 alleles (0.008%); highest among the groups gnomAD compares: Non-Finnish European, 0.0091%; no homozygotes.

Submissions (6):

Labcorp Genetics (formerly Invitae), Labcorp
Classification: Uncertain significance for POLD1-related polyposis and colorectal cancer syndrome. Last evaluated: 2026-01-21. Review status: criteria provided, single submitter. Criteria: Invitae Variant Classification Sherloc (09022015). Collection method: clinical testing. Allele origin: germline.
Comment: This sequence change replaces valine, which is neutral and non-polar, with isoleucine, which is neutral and non-polar, at codon 556 of the POLD1 protein (p.Val556Ile). The frequency data for this variant in the population databases is considered unreliable, as metrics indicate poor data quality at this position in the gnomAD database. This variant has not been reported in the literature in individuals affected with POLD1-related conditions. ClinVar contains an entry for this variant (Variation ID: 239249). Invitae Evidence Modeling of protein sequence and biophysical properties (such as structural, functional, and spatial information, amino acid conservation, physicochemical variation, residue mobility, and thermodynamic stability) indicates that this missense variant is not expected to disrupt POLD1 protein function with a negative predictive value of 80%. In summary, the available evidence is currently insufficient to determine the role of this variant in disease. Therefore, it has been classified as a Variant of Uncertain Significance.

Ambry Genetics
Classification: Uncertain significance for Hereditary cancer-predisposing syndrome. Last evaluated: 2025-11-23. Review status: criteria provided, single submitter. Criteria: Ambry Variant Classification Scheme 2023. Collection method: clinical testing. Allele origin: germline.

Dasa
Classification: Uncertain significance. Last evaluated: 2025-03-31. Review status: criteria provided, single submitter. Criteria: DASA Assertion Criteria. Collection method: clinical testing. Allele origin: germline.
Comment: NM_002691.4(POLD1):c.1666G>A (p.Val556Ile) is a missense variant that results in the substitution of valine with isoleucine. This variant is rare in population databases. Computational prediction algorithms are consistent with a benign effect. The currently available literature and clinical evidence are not sufficient to establish a definitive association between this variant and the reported condition. Therefore, this variant is classified as a variant of uncertain significance.

Molecular Diagnostics Laboratory, Catalan Institute of Oncology
Classification: Uncertain significance for Hereditary cancer-predisposing syndrome. Last evaluated: 2024-11-10. Review status: criteria provided, single submitter. Criteria: Submitter's publication. Collection method: clinical testing. Allele origin: germline.
Comment: BP4 c.1666G>A, located in exon 13 of the POLD1 gene, is predicted to result in the substitution of Valine by Isoleucine at codon 556, p.(Val556Ile). This variant is found in 12/264554 alleles at a frequency of 0.004% in the gnomAD v2.1.1 database, non-cancer dataset. The SpliceAI algorithm predicts no significant impact on splicing. The REVEL meta-predictor score for this variant (0.21) suggests that it does not affect the protein function (BP4). To our knowledge, no relevant clinical data or well-established functional studies have been reported for this variant. It is classified as an uncertain significance in ClinVar. Based on the currently available information, c.1666G>A is classified as an uncertain significance variant according to POLE/POLD1 specifications (PMID 37848928).

GeneDx
Classification: Uncertain significance. Last evaluated: 2023-06-16. Review status: criteria provided, single submitter. Criteria: GeneDx Variant Classification Process June 2021. Collection method: clinical testing. Allele origin: germline. Affected: yes.
Comment: In silico analysis supports that this missense variant does not alter protein structure/function; Has not been previously published as pathogenic or benign to our knowledge; This variant is associated with the following publications: (PMID: 25228659, 29056344)

Women's Health and Genetics/Laboratory Corporation of America, LabCorp
Classification: Uncertain significance. Last evaluated: 2019-04-01. Review status: criteria provided, single submitter. Criteria: LabCorp Variant Classification Summary - May 2015. Collection method: clinical testing. Allele origin: germline.
Comment: Variant summary: POLD1 c.1666G>A (p.Val556Ile) results in a conservative amino acid change located in the DNA-directed DNA polymerase, family B, multifunctional domain (IPR006134) of the encoded protein sequence. Four of five in-silico tools predict a benign effect of the variant on protein function. The variant allele was found at a frequency of 5e-05 in 242348 control chromosomes, predominantly at a frequency of 7.3e-05 within the Non-Finnish European subpopulation in the gnomAD database. The available data on variant occurrences in the general population are insufficient to allow any conclusion about variant significance. To our knowledge, no occurrence of c.1666G>A in individuals affected with Colorectal Cancer and no experimental evidence demonstrating its impact on protein function have been reported. One clinical diagnostic laboratory has submitted clinical-significance assessments for this variant to ClinVar after 2014 without evidence for independent evaluation and classified the variant as uncertain significance. Based on the evidence outlined above, the variant was classified as uncertain significance.